The following is an entry in ClinVar:

NM_000440.3(PDE6A):c.1890C>T (p.His630=)

Gene: PDE6A (phosphodiesterase 6A; minus strand). Cytogenetic location: 5q32.
Variant type: single nucleotide variant.
Coding change: c.1890C>T on transcript NM_000440.3 (MANE Select); coding-DNA position 1890, C replaced by T.
Protein change: p.His630=; no amino-acid change (histidine 630 retained).
Molecular consequence: synonymous variant.
Genome position (GRCh38, 1-based): chr5:149,884,816, G>A on the plus strand (C>T on the coding strand, the complement: PDE6A is on the minus strand). VCF-style: chr5-149884816-G-A. GRCh37 (hg19) VCF-style: chr5-149264379-G-A.
Other names: c.1647C>T, p.His549= (NM_001410788.1).
Identifiers: ClinVar variation 4984854 (VCV004984854.1).

ClinVar aggregate classification (germline): Likely benign (1 of 4 stars; one submission).

Conditions:
PDE6A-related disorder. Also called: PDE6A-related condition.

Submission:

PreventionGenetics, part of Exact Sciences
Classification: Likely benign for PDE6A-related condition. Last evaluated: 2026-02-02. Review status: criteria provided, single submitter. Criteria: ACMG Guidelines, 2015. Collection method: clinical testing. Allele origin: germline.
Comment: This variant is classified as likely benign based on ACMG/AMP sequence variant interpretation guidelines (Richards et al. 2015 PMID: 25741868, with internal and published modifications).